The following is an entry in ClinVar:

ClinVar aggregate classification (germline): Uncertain significance. Review status: criteria provided, multiple submitters, no conflicts (2 of 4 stars). 2 submissions from 2 submitters: Uncertain significance (2). Last evaluated 2022-10-29.

Conditions:
Hereditary cancer-predisposing syndrome. Also called: Neoplastic Syndromes, Hereditary; Tumor predisposition; Hereditary neoplastic syndrome; Hereditary Cancer Syndrome. Identifiers: Orphanet 140162, MedGen C0027672, MeSH D009386, MONDO:0015356.
Rhabdoid tumor predisposition syndrome 2 (RTPS2). Identifiers: Orphanet 231108, Orphanet 69077, MedGen C2750074, MONDO:0013224, OMIM 613325.

Submissions (2):

Labcorp Genetics (formerly Invitae), Labcorp
Classification: Uncertain significance for Rhabdoid tumor predisposition syndrome 2. Last evaluated: 2022-10-29. Review status: criteria provided, single submitter. Criteria: Invitae Variant Classification Sherloc (09022015). Collection method: clinical testing. Allele origin: germline.
Comment: This variant is not present in population databases (gnomAD no frequency). This variant has not been reported in the literature in individuals affected with SMARCA4-related conditions. ClinVar contains an entry for this variant (Variation ID: 1367944). Algorithms developed to predict the effect of missense changes on protein structure and function (SIFT, PolyPhen-2, Align-GVGD) all suggest that this variant is likely to be tolerated. In summary, the available evidence is currently insufficient to determine the role of this variant in disease. Therefore, it has been classified as a Variant of Uncertain Significance. This sequence change replaces serine, which is neutral and polar, with glycine, which is neutral and non-polar, at codon 1270 of the SMARCA4 protein (p.Ser1270Gly).

Ambry Genetics
Classification: Uncertain significance for Hereditary cancer-predisposing syndrome. Last evaluated: 2021-05-22. Review status: criteria provided, single submitter. Criteria: Ambry Variant Classification Scheme 2023. Collection method: clinical testing. Allele origin: germline.
Comment: The p.S1270G variant (also known as c.3808A>G), located in coding exon 26 of the SMARCA4 gene, results from an A to G substitution at nucleotide position 3808. The serine at codon 1270 is replaced by glycine, an amino acid with similar properties. Missense and in-frame variants in SMARCA4 are known to cause neurodevelopmental disorders; however, such associations with rhabdoid tumor predisposition syndrome including small cell carcinoma of the ovary-hypercalcemic type (SCCOHT) are exceedingly rare (Kosho T et al. Am J Med Genet C Semin Med Genet. 2014 Sep;166C(3):262-75; Jelinic P et al. Nat Genet. 2014 May;46(5):424-6). This amino acid position is highly conserved in available vertebrate species. In addition, the in silico prediction for this alteration is inconclusive. Based on the supporting evidence, the association of this alteration with Coffin-Siris syndrome is unknown; however, the association of this alteration with rhabdoid tumor predisposition syndrome is unlikely.

NM_003072.5(SMARCA4):c.3808A>G (p.Ser1270Gly)

Gene: SMARCA4 (SWI/SNF related BAF chromatin remodeling complex subunit ATPase 4; plus strand). Cytogenetic location: 19p13.2.
Variant type: single nucleotide variant.
Coding change: c.3808A>G on transcript NM_003072.5 (MANE Select); coding-DNA position 3808, A replaced by G.
Protein change: p.Ser1270Gly; replaces serine 1270 with glycine.
Molecular consequence: missense variant. On other transcripts: intron variant (5).
Genome position (GRCh38, 1-based): chr19:11,033,800, A>G. VCF-style: chr19-11033800-A-G. GRCh37 (hg19) VCF-style: chr19-11144476-A-G.
Other names: c.3808A>G, p.Ser1270Gly (NM_001128844.3, NM_001128849.3, NM_001387283.1); c.3774+283A>G (NM_001128847.4, NM_001374457.1, NM_001128845.2 and 2 more transcripts); short protein forms S1270G.
Identifiers: ClinVar variation 1367944 (VCV001367944.9), dbSNP rs1600393477, ClinGen allele CA404066529.
Genomic context (GRCh38, chr19:11,033,800, plus strand): 5'-AGACTGAAGTCCTCTATTTATCCACAGAGCAGACACTGCAGCACGGGCAGCGGCAGTGCC[A>G]GCTTCGCCCACACTGCCCCTCCGCCAGCGGGCGTCAACCCCGACTTGGAGGAGCCACCTC-3'
Protein context (NP_003063.2, residues 1260-1280): RHCSTGSGSA[Ser1270Gly]FAHTAPPPAG